The following is an entry in ClinVar:

NM_018972.4(GDAP1):c.367del (p.His123fs)

Gene: GDAP1 (ganglioside induced differentiation associated protein 1; plus strand). Cytogenetic location: 8q21.11.
Variant type: Deletion.
Coding change: c.367del on transcript NM_018972.4 (MANE Select); coding-DNA position 367, one base deleted (C; older notation c.367delC).
Protein change: p.His123fs; shifts the reading frame from histidine 123.
Molecular consequence: frameshift variant. On other transcripts: intron variant (1).
Genome position (GRCh38, 1-based): chr8:74,360,193, C deleted. VCF-style (leftmost placement, unchanged base first): chr8-74360192-AC-A. GRCh37 (hg19) VCF-style: chr8-75272427-AC-A.
Other names: c.163del, p.His55fs (NM_001040875.4); c.40del, p.His14fs (NM_001362929.2, NM_001362932.2); c.367del, p.His123fs (NM_001362931.2); c.311-1691del (NM_001362930.2); short protein forms H14fs, H55fs, H123fs.
Identifiers: ClinVar variation 2089246 (VCV002089246.4), dbSNP rs2536741205, ClinGen allele CA2580078944.

ClinVar aggregate classification (germline): Pathogenic (1 of 4 stars; one submission).

Conditions:
Charcot-Marie-Tooth disease type 4A. Also called: Charcot-Marie-Tooth disease, demyelinating, autosomal recessive, type 4a. Identifiers: Orphanet 99948, MedGen C1859198, MONDO:0008961, OMIM 214400.

Submission:

Labcorp Genetics (formerly Invitae), Labcorp
Classification: Pathogenic for Charcot-Marie-Tooth disease type 4A. Last evaluated: 2023-06-30. Review status: criteria provided, single submitter. Criteria: Invitae Variant Classification Sherloc (09022015). Collection method: clinical testing. Allele origin: germline.
Comment: This sequence change creates a premature translational stop signal (p.His123Ilefs*24) in the GDAP1 gene. It is expected to result in an absent or disrupted protein product. Loss-of-function variants in GDAP1 are known to be pathogenic (PMID: 11743580). For these reasons, this variant has been classified as Pathogenic. ClinVar contains an entry for this variant (Variation ID: 2089246). This variant has not been reported in the literature in individuals affected with GDAP1-related conditions. This variant is not present in population databases (gnomAD no frequency).

Literature cited by the submitters: PubMed 11743580.